The following is an entry in ClinVar:

ClinVar aggregate classification (germline): Uncertain significance. Review status: criteria provided, multiple submitters, no conflicts (2 of 4 stars). 3 submissions from 3 submitters: Uncertain significance (3). Last evaluated 2026-05-18.

Conditions:
Hereditary cancer-predisposing syndrome. Also called: Neoplastic Syndromes, Hereditary; Hereditary Cancer Syndrome; Tumor predisposition; Hereditary neoplastic syndrome. Identifiers: Orphanet 140162, MedGen C0027672, MeSH D009386, MONDO:0015356.
Hereditary diffuse gastric adenocarcinoma (HDGC). Also called: DIFFUSE GASTRIC AND LOBULAR BREAST CANCER SYNDROME. Identifiers: Orphanet 26106, MedGen C1708349, MONDO:0007648, OMIM 137215.

Allele frequency attached by ClinVar (database versions not stated): gnomAD exomes below 0.00001.
gnomAD v4.1: 1 of 1,614,184 alleles (0.000062%); highest among the groups gnomAD compares: Non-Finnish European, 0.000085%; no homozygotes.

Submissions (3):

Ambry Genetics
Classification: Uncertain significance for Hereditary cancer-predisposing syndrome. Last evaluated: 2026-05-18. Review status: criteria provided, single submitter. Criteria: Ambry Variant Classification Scheme 2023. Collection method: clinical testing. Allele origin: germline.
Comment: The p.V204I variant (also known as c.610G>A), located in coding exon 5 of the CDH1 gene, results from a G to A substitution at nucleotide position 610. The valine at codon 204 is replaced by isoleucine, an amino acid with highly similar properties. This amino acid position is conserved. In addition, this alteration is predicted to be tolerated by in silico analysis. Based on the available evidence, the clinical significance of this variant remains unclear.

Labcorp Genetics (formerly Invitae), Labcorp
Classification: Uncertain significance for Hereditary diffuse gastric adenocarcinoma. Last evaluated: 2021-05-28. Review status: criteria provided, single submitter. Criteria: Invitae Variant Classification Sherloc (09022015). Collection method: clinical testing. Allele origin: germline.
Comment: This variant is not present in population databases (ExAC no frequency). This variant has not been reported in the literature in individuals with CDH1-related disease. ClinVar contains an entry for this variant (Variation ID: 234454). Algorithms developed to predict the effect of missense changes on protein structure and function (SIFT, PolyPhen-2, Align-GVGD) all suggest that this variant is likely to be tolerated, but these predictions have not been confirmed by published functional studies and their clinical significance is uncertain. In summary, the available evidence is currently insufficient to determine the role of this variant in disease. Therefore, it has been classified as a Variant of Uncertain Significance. This sequence change replaces valine with isoleucine at codon 204 of the CDH1 protein (p.Val204Ile). The valine residue is moderately conserved and there is a small physicochemical difference between valine and isoleucine.

GeneDx
Classification: Uncertain significance. Last evaluated: 2015-11-09. Review status: criteria provided, single submitter. Criteria: GeneDx Variant Classification (06012015). Collection method: clinical testing. Allele origin: germline. Affected: yes.
Comment: This variant is denoted CDH1 c.610G>A at the cDNA level, p.Val204Ile (V204I) at the protein level, and results in the change of a Valine to an Isoleucine (GTC>ATC). This variant has not, to our knowledge, been published in the literature as pathogenic or benign. CDH1 Val204Ile was not observed in approximately 6,500 individuals of European and African American ancestry in the NHLBI Exome Sequencing Project, suggesting it is not a common benign variant in these populations. Since Valine and Isoleucine share similar properties, this is considered a conservative amino acid substitution. CDH1 Val204Ile occurs at a position where amino acids with properties similar to Valine are tolerated across species and is located in the Cadherin 1 domain (UniProt). In silico analyses predict that this variant is unlikely to alter protein structure or function. Based on currently available evidence, it is unclear whether CDH1 Val204Ile is a pathogenic or benign variant. We consider it to be a variant of uncertain significance.

NM_004360.5(CDH1):c.610G>A (p.Val204Ile)

Gene: CDH1 (cadherin 1; plus strand). Cytogenetic location: 16q22.1.
Variant type: single nucleotide variant.
Coding change: c.610G>A on transcript NM_004360.5 (MANE Select); coding-DNA position 610, G replaced by A.
Protein change: p.Val204Ile; replaces valine 204 with isoleucine.
Molecular consequence: missense variant. On other transcripts: 5 prime UTR variant (2).
Genome position (GRCh38, 1-based): chr16:68,808,771, G>A. VCF-style: chr16-68808771-G-A. GRCh37 (hg19) VCF-style: chr16-68842674-G-A.
Other names: c.610G>A (LRG_301t1); c.610G>A, p.Val204Ile (NM_001317184.2); c.-1006G>A (NM_001317185.2); c.-1210G>A (NM_001317186.2); short protein forms V204I.
Identifiers: ClinVar variation 234454 (VCV000234454.12), dbSNP rs876661028, ClinGen allele CA10577538.